The following is an entry in ClinVar:

NM_017617.5(NOTCH1):c.1680G>A (p.Gly560=)

Gene: NOTCH1 (notch receptor 1; minus strand). Cytogenetic location: 9q34.3.
Variant type: single nucleotide variant.
Coding change: c.1680G>A on transcript NM_017617.5 (MANE Select); coding-DNA position 1680, G replaced by A.
Protein change: p.Gly560=; no amino-acid change (glycine 560 retained).
Molecular consequence: synonymous variant.
Genome position (GRCh38, 1-based): chr9:136,515,706, C>T on the plus strand (G>A on the coding strand, the complement: NOTCH1 is on the minus strand). VCF-style: chr9-136515706-C-T. GRCh37 (hg19) VCF-style: chr9-139410158-C-T.
Other names: c.1680G>A, p.Gly560= (LRG_1122t1).
Identifiers: ClinVar variation 391513 (VCV000391513.1), dbSNP rs1057524117, ClinGen allele CA16605489.

ClinVar aggregate classification (germline): Likely benign (1 of 4 stars; one submission).

Submission:

GeneDx
Classification: Likely benign. Last evaluated: 2016-12-09. Review status: criteria provided, single submitter. Criteria: GeneDx Variant Classification (06012015). Collection method: clinical testing. Allele origin: germline. Affected: yes.
Comment: This variant is considered likely benign or benign based on one or more of the following criteria: it is a conservative change, it occurs at a poorly conserved position in the protein, it is predicted to be benign by multiple in silico algorithms, and/or has population frequency not consistent with disease.